The following is an entry in ClinVar:

NM_001142800.2(EYS):c.9172G>C (p.Ala3058Pro)

Genes: EYS (eyes shut homolog; minus strand), PHF3 (PHD finger protein 3; plus strand). Cytogenetic location: 6q12.
Variant type: single nucleotide variant.
Coding change: c.9172G>C on transcript NM_001142800.2 (MANE Select); coding-DNA position 9172, G replaced by C.
Protein change: p.Ala3058Pro; replaces alanine 3058 with proline.
Molecular consequence: missense variant. On other transcripts: 3 prime UTR variant (5).
Genome position (GRCh38, 1-based): chr6:63,720,859, C>G on the plus strand (G>C on the coding strand, the complement: EYS is on the minus strand). VCF-style: chr6-63720859-C-G. GRCh37 (hg19) VCF-style: chr6-64430755-C-G.
Other names: c.*7151C>G (NM_001290259.2, NM_001370348.2, NM_001370349.2 and 2 more transcripts); c.9235G>C, p.Ala3079Pro (NM_001292009.2); short protein forms A3079P, A3058P.
Identifiers: ClinVar variation 1384292 (VCV001384292.3), dbSNP rs1182778175, ClinGen allele CA364383090.
Genomic context (GRCh38, chr6:63,720,859, plus strand): 5'-CCACAAAGTTTTTATGTGGATCAATATCCTCGGAAAGAATTAGACTGTTATTTATGTAGG[C>G]CTTGATAAGAGTCTGATTTTGAATTACAACTACATGGTGCCATTTATTACAACAGAATGT-3'
Protein context (NP_001136272.1, residues 3048-3068): VVIQNQTLIK[Ala3058Pro]YINNSLILSE

ClinVar aggregate classification (germline): Uncertain significance (1 of 4 stars; one submission).

Submission:

Labcorp Genetics (formerly Invitae), Labcorp
Classification: Uncertain significance. Last evaluated: 2022-02-24. Review status: criteria provided, single submitter. Criteria: Invitae Variant Classification Sherloc (09022015). Collection method: clinical testing. Allele origin: germline.
Comment: This sequence change replaces alanine, which is neutral and non-polar, with proline, which is neutral and non-polar, at codon 3058 of the EYS protein (p.Ala3058Pro). This variant is not present in population databases (gnomAD no frequency). This missense change has been observed in individual(s) with clinical features of inherited retinal dystrophy (Invitae). Algorithms developed to predict the effect of missense changes on protein structure and function are either unavailable or do not agree on the potential impact of this missense change (SIFT: "Tolerated"; PolyPhen-2: "Possibly Damaging"; Align-GVGD: "Class C0"). In summary, the available evidence is currently insufficient to determine the role of this variant in disease. Therefore, it has been classified as a Variant of Uncertain Significance.